The following is an entry in ClinVar:

NM_005035.4(POLRMT):c.3363C>T (p.Pro1121=)

Gene: POLRMT (RNA polymerase mitochondrial; minus strand). Cytogenetic location: 19p13.3.
Variant type: single nucleotide variant.
Coding change: c.3363C>T on transcript NM_005035.4 (MANE Select); coding-DNA position 3363, C replaced by T.
Protein change: p.Pro1121=; no amino-acid change (proline 1121 retained).
Molecular consequence: synonymous variant. On other transcripts: non-coding transcript variant (1), intron variant (2).
Genome position (GRCh38, 1-based): chr19:618,547, G>A on the plus strand (C>T on the coding strand, the complement: POLRMT is on the minus strand). VCF-style: chr19-618547-G-A. GRCh37 (hg19) VCF-style: chr19-618547-G-A.
Other names: c.3363C>T, p.Pro1121= (NM_001407805.1); c.3354C>T, p.Pro1118= (NM_001407806.1, NM_001407809.1); c.3351C>T, p.Pro1117= (NM_001407807.1, NM_001407810.1); c.3372C>T, p.Pro1124= (NM_001407808.1); c.3321C>T, p.Pro1107= (NM_001407811.1, NM_001407813.1); c.3324C>T, p.Pro1108= (NM_001407812.1); c.3285C>T, p.Pro1095= (NM_001407814.1, NM_001407815.1); c.3240C>T, p.Pro1080= (NM_001407829.1); and 7 more.
Identifiers: ClinVar variation 3049495 (VCV003049495.3), dbSNP rs141795579, ClinGen allele CA9019276.
Genomic context (GRCh38, chr19:618,547, plus strand): 5'-CCTGTAGCAGTGCAGGGCGGTGAGCATCATGTGGGAGGAGTCCAGCGAGTGGATGAAGTT[G>A]GGCGGGAAGCCGTTCTTCTGCTTACGTGTGTTGGGCTTTCTGAGGACGGAACAGGTGCCG-3'
Protein context (NP_005026.3, residues 1111-1131): NTRKQKNGFP[Pro1121=]NFIHSLDSSH

ClinVar aggregate classification (germline): Likely benign. Review status: criteria provided, single submitter (1 of 4 stars). 2 submissions from 2 submitters: Likely benign (1). 1 of the submissions does not count toward it. Last evaluated 2024-10-18.

Conditions:
POLRMT-related disorder. Also called: POLRMT-related condition.

Allele frequency attached by ClinVar (database versions not stated): ExAC 0.00048; 1000 Genomes Project 30x 0.00125; 1000 Genomes Project 0.00140; gnomAD 0.00140; TOPMed 0.00143; ESP Exome Variant Server 0.00154.
gnomAD v4.1: 430 of 1,613,434 alleles (0.027%); highest among the groups gnomAD compares: African/African-American, 0.51%; no homozygotes.

Submissions (2):

Blueprint Genetics
Classification: Likely benign. Last evaluated: 2024-10-18. Review status: criteria provided, single submitter. Criteria: ACMG Guidelines, 2015. Collection method: clinical testing. Allele origin: germline.

PreventionGenetics, part of Exact Sciences
Classification: Likely benign for POLRMT-related condition. Last evaluated: 2024-01-14. Review status: no assertion criteria provided. Collection method: clinical testing. Allele origin: germline. Not counted in ClinVar's aggregate classification.
Comment: This variant is classified as likely benign based on ACMG/AMP sequence variant interpretation guidelines (Richards et al. 2015 PMID: 25741868, with internal and published modifications).